The following is an entry in ClinVar:

ClinVar aggregate classification (germline): Uncertain significance (1 of 4 stars; one submission).

Submission:

Mayo Clinic Laboratories, Mayo Clinic
Classification: Uncertain significance. Last evaluated: 2025-03-12. Review status: criteria provided, single submitter. Criteria: ACMG Guidelines, 2015. Collection method: clinical testing. Allele origin: germline. Observed: 1 variant allele.
Comment: BS4_moderate, PM2_supporting

NM_006208.3(ENPP1):c.85C>T (p.Arg29Cys)

Gene: ENPP1 (ectonucleotide pyrophosphatase/phosphodiesterase 1; plus strand). Cytogenetic location: 6q23.2.
Variant type: single nucleotide variant.
Coding change: c.85C>T on transcript NM_006208.3 (MANE Select); coding-DNA position 85, C replaced by T.
Protein change: p.Arg29Cys; replaces arginine 29 with cysteine.
Molecular consequence: missense variant.
Genome position (GRCh38, 1-based): chr6:131,808,120, C>T. VCF-style: chr6-131808120-C-T. GRCh37 (hg19) VCF-style: chr6-132129260-C-T.
Other names: p.Arg29Cys; short protein forms R29C.
Identifiers: ClinVar variation 4541220 (VCV004541220.1).
Genomic context (GRCh38, chr6:131,808,120, plus strand): 5'-GGCGGGAGCCGCGGCGGCGAGGGCGGGCGCGCTCCCCGGGAGGGCCCGGCGGGGAACGGC[C>T]GCGATCGGGGCCGCAGCCACGCTGCCGAGGCGCCCGGGGACCCGCAGGCGGCCGCGTCCT-3'
Protein context (NP_006199.2, residues 19-39): APREGPAGNG[Arg29Cys]DRGRSHAAEA